The following is an entry in ClinVar:

NM_003716.4(CADPS):c.3685G>T (p.Val1229Leu)

Gene: CADPS (calcium dependent secretion activator; minus strand). Cytogenetic location: 3p14.2.
Variant type: single nucleotide variant.
Coding change: c.3685G>T on transcript NM_003716.4 (MANE Select); coding-DNA position 3685, G replaced by T.
Protein change: p.Val1229Leu; replaces valine 1229 with leucine.
Molecular consequence: missense variant.
Genome position (GRCh38, 1-based): chr3:62,438,196, C>A on the plus strand (G>T on the coding strand, the complement: CADPS is on the minus strand). VCF-style: chr3-62438196-C-A. GRCh37 (hg19) VCF-style: chr3-62423871-C-A.
Other names: c.3448G>T, p.Val1150Leu (NM_183393.3); c.3568G>T, p.Val1190Leu (NM_183394.3); short protein forms V1190L, V1150L, V1229L.
Identifiers: ClinVar variation 2461150 (VCV002461150.4), dbSNP rs771045473, ClinGen allele CA2476206.

ClinVar aggregate classification (germline): Uncertain significance. Review status: criteria provided, single submitter (1 of 4 stars). 2 submissions from 2 submitters: Uncertain significance (1). 1 of the submissions does not count toward it. Last evaluated 2023-03-01.

Conditions:
CADPS-related disorder. Also called: CADPS-related condition.

gnomAD v4.1: 83 of 1,613,250 alleles (0.0051%); highest among the groups gnomAD compares: East Asian, 0.096%; 1 homozygote.

Submissions (2):

Ambry Genetics
Classification: Uncertain significance. Last evaluated: 2023-03-01. Review status: criteria provided, single submitter. Criteria: Ambry Variant Classification Scheme 2023. Collection method: clinical testing. Allele origin: germline.

PreventionGenetics, part of Exact Sciences
Classification: Likely benign for CADPS-related condition. Last evaluated: 2023-02-15. Review status: no assertion criteria provided. Collection method: clinical testing. Allele origin: germline. Not counted in ClinVar's aggregate classification.
Comment: This variant is classified as likely benign based on ACMG/AMP sequence variant interpretation guidelines (Richards et al. 2015 PMID: 25741868, with internal and published modifications).